The following is an entry in ClinVar:

ClinVar aggregate classification (germline): Uncertain significance (1 of 4 stars; one submission).

gnomAD v4.1: 4 of 1,311,802 alleles (0.0003%); highest among the groups gnomAD compares: Non-Finnish European, 0.00039%; no homozygotes.

Submission:

Labcorp Genetics (formerly Invitae), Labcorp
Classification: Uncertain significance. Last evaluated: 2021-12-17. Review status: criteria provided, single submitter. Criteria: Invitae Variant Classification Sherloc (09022015). Collection method: clinical testing. Allele origin: germline.
Comment: In summary, the available evidence is currently insufficient to determine the role of this variant in disease. Therefore, it has been classified as a Variant of Uncertain Significance. Algorithms developed to predict the effect of missense changes on protein structure and function (SIFT, PolyPhen-2, Align-GVGD) all suggest that this variant is likely to be tolerated. This variant has not been reported in the literature in individuals affected with PLEKHM2-related conditions. This variant is not present in population databases (gnomAD no frequency). This sequence change replaces arginine, which is basic and polar, with glycine, which is neutral and non-polar, at codon 9 of the PLEKHM2 protein (p.Arg9Gly).

NM_015164.4(PLEKHM2):c.25C>G (p.Arg9Gly)

Gene: PLEKHM2 (pleckstrin homology and RUN domain containing M2; plus strand). Cytogenetic location: 1p36.21.
Variant type: single nucleotide variant.
Coding change: c.25C>G on transcript NM_015164.4 (MANE Select); coding-DNA position 25, C replaced by G.
Protein change: p.Arg9Gly; replaces arginine 9 with glycine.
Molecular consequence: missense variant.
Genome position (GRCh38, 1-based): chr1:15,684,583, C>G. VCF-style: chr1-15684583-C-G. GRCh37 (hg19) VCF-style: chr1-16011078-C-G.
Other names: c.25C>G, p.Arg9Gly (NM_001410755.1); short protein forms R9G.
Identifiers: ClinVar variation 2153008 (VCV002153008.4), dbSNP rs1640723907, ClinGen allele CA338572482.